The following is an entry in ClinVar:

ClinVar aggregate classification (germline): Uncertain significance (1 of 4 stars; one submission).

Conditions:
Familial thoracic aortic aneurysm and aortic dissection (TAAD). Also called: Thoracic aortic aneurysms and dissections. Identifiers: Orphanet 91387, MedGen C4707243, MONDO:0019625.

Allele frequency attached by ClinVar (database versions not stated): gnomAD exomes below 0.00001.

Submission:

Color Diagnostics, LLC DBA Color Health
Classification: Uncertain significance for Familial thoracic aortic aneurysm and aortic dissection. Last evaluated: 2019-06-01. Review status: criteria provided, single submitter. Criteria: ACMG Guidelines, 2015. Collection method: clinical testing. Allele origin: germline.
Comment: This variant is located in the intron 6 splice donor region of the TGFBR2 gene. Computational splicing tools predict that this variant may have a significant impact on RNA splicing. To our knowledge, functional assays have not been performed for this variant nor has this variant been reported in individuals affected with cardiovascular disorders in the literature. This variant has not been identified in the general population by the Genome Aggregation Database (gnomAD). Available evidence is insufficient to determine the role of this variant in disease conclusively. Therefore, this variant is classified as a Variant of Uncertain Significance.

NM_003242.6(TGFBR2):c.1396+5_1396+11del

Gene: TGFBR2 (transforming growth factor beta receptor 2; plus strand). Cytogenetic location: 3p24.1.
Variant type: Deletion.
Coding change: c.1396+5_1396+11del on transcript NM_003242.6 (MANE Select); bases 5 to 11 of the intron after coding-DNA position 1396, 7 bases deleted (GTGTGGA; older notation c.1396+5_1396+11delGTGTGGA).
Molecular consequence: intron variant.
Genome position (GRCh38, 1-based): chr3:30,674,251-30,674,257, GTGTGGA deleted. VCF-style (leftmost placement, unchanged base first): chr3-30674250-GGTGTGGA-G. GRCh37 (hg19) VCF-style: chr3-30715742-GGTGTGGA-G.
Other names: c.1399+5_1399+11del (NM_001407129.1); c.1291+5_1291+11del (NM_001407132.1, NM_001407136.1, NM_001407133.1 and 2 more transcripts); c.1579+5_1579+11del (NM_001407126.1); c.1471+5_1471+11del (NM_001024847.3); c.530-14136_530-14130del (NM_001407139.1); c.1111+5_1111+11del (NM_001407137.1); c.1504+5_1504+11del (NM_001407127.1); c.1396+5_1396+11del (NM_001407130.1); and 2 more.
Identifiers: ClinVar variation 919028 (VCV000919028.4), dbSNP rs1699394596, ClinGen allele CA913188066.